The following is an entry in ClinVar:

NM_006659.4(TUBGCP2):c.620C>T (p.Thr207Met)

Genes: TUBGCP2 (tubulin gamma complex component 2; minus strand), LOC126861106 (P300/CBP strongly-dependent group 1 enhancer GRCh37_chr10:135106330-135107529; plus strand). Cytogenetic location: 10q26.3.
Variant type: single nucleotide variant.
Coding change: c.620C>T on transcript NM_006659.4 (MANE Select); coding-DNA position 620, C replaced by T.
Protein change: p.Thr207Met; replaces threonine 207 with methionine.
Molecular consequence: missense variant. On other transcripts: non-coding transcript variant (1).
Genome position (GRCh38, 1-based): chr10:133,293,766, G>A on the plus strand (C>T on the coding strand, the complement: TUBGCP2 is on the minus strand). VCF-style: chr10-133293766-G-A. GRCh37 (hg19) VCF-style: chr10-135107270-G-A.
Other names: c.704C>T, p.Thr235Met (NM_001256617.2); c.230C>T, p.Thr77Met (NM_001256618.2); c.704C>T (NM_001256617.1); short protein forms T77M, T207M, T235M.
Identifiers: ClinVar variation 2340962 (VCV002340962.4), dbSNP rs368752612, ClinGen allele CA5764411.
Genomic context (GRCh38, chr10:133,293,766, plus strand): 5'-CCCACCAGCACGTACAGCAGGTCCTCCACCACGGCCGACTCCTGCGAGGCCAGGGGCAAC[G>A]TGCCTGCGGGCACAGACAGCGCTGTGGCTCTGCAGCCCCCACTCCCATGCCCCCACAGCC-3'
Protein context (NP_006650.1, residues 197-217): ISTDTALPIG[Thr207Met]LPLASQESAV

ClinVar aggregate classification (germline): Uncertain significance. Review status: criteria provided, multiple submitters, no conflicts (2 of 4 stars). 2 submissions from 2 submitters: Uncertain significance (2). Last evaluated 2025-04-01.

Allele frequency attached by ClinVar (database versions not stated): TOPMed 0.00003; gnomAD 0.00001; gnomAD exomes 0.00002; ESP Exome Variant Server 0.00008; ExAC 0.00005.
gnomAD v4.1: 28 of 1,582,478 alleles (0.0018%); highest among the groups gnomAD compares: Admixed American, 0.024%; no homozygotes.

Submissions (2):

Ambry Genetics
Classification: Uncertain significance. Last evaluated: 2025-04-01. Review status: criteria provided, single submitter. Criteria: Ambry Variant Classification Scheme 2023. Collection method: clinical testing. Allele origin: germline.

GeneDx
Classification: Uncertain significance. Last evaluated: 2024-04-12. Review status: criteria provided, single submitter. Criteria: GeneDx Variant Classification Process June 2021. Collection method: clinical testing. Allele origin: germline. Affected: yes.
Comment: In silico analysis supports that this missense variant has a deleterious effect on protein structure/function; In silico analysis suggests this variant may impact gene splicing. In the absence of RNA/functional studies, the actual effect of this sequence change is unknown.; Has not been previously published as pathogenic or benign to our knowledge